The following is an entry in ClinVar:

ClinVar aggregate classification (germline): Uncertain significance. Review status: criteria provided, multiple submitters, no conflicts (2 of 4 stars). 3 submissions from 3 submitters: Uncertain significance (3). Last evaluated 2026-09-05.

Conditions:
Inborn genetic diseases. Identifiers: MedGen C0950123, MeSH D030342.

Submissions (3):

GeneDx
Classification: Uncertain significance. Last evaluated: 2026-09-05. Review status: criteria provided, single submitter. Criteria: GeneDx Variant Classification Process June 2021. Collection method: clinical testing. Allele origin: germline.
Comment: Not observed at significant frequency in large population cohorts (gnomAD); In silico analysis suggests that this missense variant does not alter protein structure/function; Has not been previously published as pathogenic or benign to our knowledge

Ambry Genetics
Classification: Uncertain significance for Inborn genetic diseases. Last evaluated: 2025-07-31. Review status: criteria provided, single submitter. Criteria: Ambry Variant Classification Scheme 2023. Collection method: clinical testing. Allele origin: germline.

Women's Health and Genetics/Laboratory Corporation of America, LabCorp
Classification: Uncertain significance. Last evaluated: 2024-10-07. Review status: criteria provided, single submitter. Criteria: LabCorp Variant Classification Summary - May 2015. Collection method: clinical testing. Allele origin: germline.
Comment: Variant summary: EHMT1 c.1218G>C (p.Glu406Asp) results in a conservative amino acid change in the encoded protein sequence. Four of five in-silico tools predict a benign effect of the variant on protein function. The frequency data for this variant in gnomAD is considered unreliable, as metrics indicate poor data quality at this position. To our knowledge, no occurrence of c.1218G>C in individuals affected with Kleefstra Syndrome 1 and no experimental evidence demonstrating its impact on protein function have been reported. ClinVar contains an entry for this variant (Variation ID: 2442661). Based on the evidence outlined above, the variant was classified as uncertain significance.

NM_024757.5(EHMT1):c.1218G>C (p.Glu406Asp)

Gene: EHMT1 (euchromatic histone lysine methyltransferase 1; plus strand). Cytogenetic location: 9q34.3.
Variant type: single nucleotide variant.
Coding change: c.1218G>C on transcript NM_024757.5 (MANE Select); coding-DNA position 1218, G replaced by C.
Protein change: p.Glu406Asp; replaces glutamic acid 406 with aspartic acid.
Molecular consequence: missense variant.
Genome position (GRCh38, 1-based): chr9:137,752,378, G>C. VCF-style: chr9-137752378-G-C. GRCh37 (hg19) VCF-style: chr9-140646830-G-C.
Other names: c.1218G>C, p.Glu406Asp (NM_001145527.2, NM_001354611.2); c.1125G>C, p.Glu375Asp (NM_001354259.2, NM_001354612.2); c.1197G>C, p.Glu399Asp (NM_001354263.2); short protein forms E375D, E399D, E406D.
Identifiers: ClinVar variation 2442661 (VCV002442661.4), dbSNP rs2541783185, ClinGen allele CA375761440.